The following is an entry in ClinVar:

ClinVar aggregate classification (germline): Uncertain significance (1 of 4 stars; one submission).

Conditions:
Neuronal ceroid lipofuscinosis 11. Also called: GRN-Related Neuronal Ceroid-Lipofuscinosis. Identifiers: Orphanet 314629, Orphanet 79262, MedGen C3539123, MONDO:0013866, OMIM 614706.
GRN-related frontotemporal lobar degeneration with Tdp43 inclusions (FTD2). Also called: GRN Frontotemporal Dementia; FRONTOTEMPORAL DEMENTIA WITH TDP43 INCLUSIONS, GRN-RELATED; DEMENTIA, HEREDITARY DYSPHASIC DISINHIBITION; FRONTOTEMPORAL LOBAR DEGENERATION WITH UBIQUITIN-POSITIVE INCLUSIONS; FTLD-TDP, GRN-RELATED. Identifiers: Orphanet 100070, Orphanet 282, MedGen C1843792, MONDO:0011842, OMIM 607485. Disease mechanism: loss of function.

Allele frequency attached by ClinVar (database versions not stated): gnomAD exomes below 0.00001.
gnomAD v4.1: 1 of 1,614,218 alleles (0.000062%); highest among the groups gnomAD compares: Admixed American, 0.0017%; no homozygotes.

Submission:

Labcorp Genetics (formerly Invitae), Labcorp
Classification: Uncertain significance for Neuronal ceroid lipofuscinosis 11; GRN-related frontotemporal lobar degeneration with Tdp43 inclusions. Last evaluated: 2018-05-04. Review status: criteria provided, single submitter. Criteria: Invitae Variant Classification Sherloc (09022015). Collection method: clinical testing. Allele origin: germline.
Comment: This variant is not present in population databases (ExAC no frequency). In summary, the available evidence is currently insufficient to determine the role of this variant in disease. Therefore, it has been classified as a Variant of Uncertain Significance. Algorithms developed to predict the effect of missense changes on protein structure and function do not agree on the potential impact of this missense change (SIFT: "Tolerated"; PolyPhen-2: "Possibly Damaging"; Align-GVGD: "Class C0"). This variant has not been reported in the literature in individuals with GRN-related disease. This sequence change replaces aspartic acid with asparagine at codon 47 of the GRN protein (p.Asp47Asn). The aspartic acid residue is weakly conserved and there is a small physicochemical difference between aspartic acid and asparagine.

NM_002087.4(GRN):c.139G>A (p.Asp47Asn)

Gene: GRN (granulin precursor; plus strand). Cytogenetic location: 17q21.31.
Variant type: single nucleotide variant.
Coding change: c.139G>A on transcript NM_002087.4 (MANE Select); coding-DNA position 139, G replaced by A.
Protein change: p.Asp47Asn; replaces aspartic acid 47 with asparagine.
Molecular consequence: missense variant.
Genome position (GRCh38, 1-based): chr17:44,349,426, G>A. VCF-style: chr17-44349426-G-A. GRCh37 (hg19) VCF-style: chr17-42426794-G-A.
Other names: short protein forms D47N.
Identifiers: ClinVar variation 569364 (VCV000569364.8), dbSNP rs1239690384, ClinGen allele CA399759549.
Genomic context (GRCh38, chr17:44,349,426, plus strand): 5'-TTGGCCAGAGGAGGACGCCAGGCACAAGTCTGTGGTTTATCATTTTCCCTGTCTTTCTAG[G>A]ACAAATGGCCCACAACACTGAGCAGGCATCTGGGTGGCCCCTGCCAGGTTGATGCCCACT-3'
Protein context (NP_002078.1, residues 37-57): ASYSCCRPLL[Asp47Asn]KWPTTLSRHL